The following is an entry in ClinVar:

NM_001430.5(EPAS1):c.1926T>G (p.Asp642Glu)

Gene: EPAS1 (endothelial PAS domain protein 1; plus strand). Cytogenetic location: 2p21.
Variant type: single nucleotide variant.
Coding change: c.1926T>G on transcript NM_001430.5 (MANE Select); coding-DNA position 1926, T replaced by G.
Protein change: p.Asp642Glu; replaces aspartic acid 642 with glutamic acid.
Molecular consequence: missense variant.
Genome position (GRCh38, 1-based): chr2:46,380,598, T>G. VCF-style: chr2-46380598-T-G. GRCh37 (hg19) VCF-style: chr2-46607737-T-G.
Other names: c.1926T>G (NM_001430.4); short protein forms D642E.
Identifiers: ClinVar variation 2696502 (VCV002696502.4), dbSNP rs1684865660, ClinGen allele CA346705166.

ClinVar aggregate classification (germline): Uncertain significance. Review status: criteria provided, multiple submitters, no conflicts (2 of 4 stars). 2 submissions from 2 submitters: Uncertain significance (2). Last evaluated 2023-11-24.

Conditions:
Inborn genetic diseases. Identifiers: MedGen C0950123, MeSH D030342.

Allele frequency attached by ClinVar (database versions not stated): gnomAD exomes below 0.00001.
gnomAD v4.1: 2 of 1,614,050 alleles (0.00012%); highest among the groups gnomAD compares: Non-Finnish European, 0.00017%; no homozygotes.

Submissions (2):

Labcorp Genetics (formerly Invitae), Labcorp
Classification: Uncertain significance. Last evaluated: 2023-11-24. Review status: criteria provided, single submitter. Criteria: Invitae Variant Classification Sherloc (09022015). Collection method: clinical testing. Allele origin: germline.
Comment: This sequence change replaces aspartic acid, which is acidic and polar, with glutamic acid, which is acidic and polar, at codon 642 of the EPAS1 protein (p.Asp642Glu). This variant is not present in population databases (gnomAD no frequency). This variant has not been reported in the literature in individuals affected with EPAS1-related conditions. An algorithm developed to predict the effect of missense changes on protein structure and function (PolyPhen-2) suggests that this variant is likely to be disruptive. In summary, the available evidence is currently insufficient to determine the role of this variant in disease. Therefore, it has been classified as a Variant of Uncertain Significance.

Ambry Genetics
Classification: Uncertain significance for Inborn genetic diseases. Last evaluated: 2023-10-19. Review status: criteria provided, single submitter. Criteria: Ambry Variant Classification Scheme 2023. Collection method: clinical testing. Allele origin: germline.
Comment: The p.D642E variant (also known as c.1926T>G), located in coding exon 12 of the EPAS1 gene, results from a T to G substitution at nucleotide position 1926. The aspartic acid at codon 642 is replaced by glutamic acid, an amino acid with highly similar properties. This amino acid position is conserved. In addition, this alteration is predicted to be tolerated by in silico analysis. Since supporting evidence is limited at this time, the clinical significance of this alteration remains unclear.